The following is an entry in ClinVar:

NM_024596.5(MCPH1):c.1351G>A (p.Glu451Lys)

Gene: MCPH1 (microcephalin 1; plus strand). Cytogenetic location: 8p23.1.
Variant type: single nucleotide variant.
Coding change: c.1351G>A on transcript NM_024596.5 (MANE Select); coding-DNA position 1351, G replaced by A.
Protein change: p.Glu451Lys; replaces glutamic acid 451 with lysine.
Molecular consequence: missense variant. On other transcripts: non-coding transcript variant (1).
Genome position (GRCh38, 1-based): chr8:6,445,073, G>A. VCF-style: chr8-6445073-G-A. GRCh37 (hg19) VCF-style: chr8-6302594-G-A.
Other names: c.1351G>A (NM_001322042.1); c.1351G>A, p.Glu451Lys (NM_001172574.2, NM_001322042.2, NM_001363979.1 and 1 more transcripts); c.1207G>A, p.Glu403Lys (NM_001172575.2); c.1345G>A, p.Glu449Lys (NM_001322043.2); c.1249G>A, p.Glu417Lys (NM_001322045.2); short protein forms E451K, E449K, E403K, E417K.
Identifiers: ClinVar variation 158820 (VCV000158820.36), dbSNP rs202004426, ClinGen allele CA271678.
Genomic context (GRCh38, chr8:6,445,073, plus strand): 5'-CCTGAATCTCAGCTGCCATCAAGCCCTGCTCAGTTGAGCTGCAGAAGTCTTTCTAAGAAG[G>A]AGAGAACAAGCATATTTGAAATGTCTGATTTTTCCTGCGTTGGCAAAAAAACCAGAACAG-3'
Protein context (NP_078872.3, residues 441-461): QLSCRSLSKK[Glu451Lys]RTSIFEMSDF

ClinVar aggregate classification (germline): Benign/Likely benign. Review status: criteria provided, multiple submitters, no conflicts (2 of 4 stars). 7 submissions from 7 submitters: Benign (2); Likely benign (4). 1 of the submissions does not count toward it. Last evaluated 2026-01-30.

Conditions:
MCPH1-related disorder. Also called: MCPH1-related condition.
Microcephaly 1, primary, autosomal recessive (MCPH1). Also called: PREMATURE CHROMOSOME CONDENSATION SYNDROME; PCC SYNDROME; PREMATURE CHROMOSOME CONDENSATION WITH MICROCEPHALY AND MENTAL RETARDATION. Identifiers: Orphanet 2512, MedGen C1855081, MONDO:0009617, OMIM 251200.

Allele frequency attached by ClinVar (database versions not stated): gnomAD below 0.00001 and 0.00039; TOPMed 0.00005; gnomAD exomes 0.00123; ExAC 0.00139; 1000 Genomes Project 30x 0.00344; 1000 Genomes Project 0.00379.
gnomAD v4.1: 965 of 1,614,238 alleles (0.06%); highest among the groups gnomAD compares: South Asian, 1%; 9 homozygotes.

Submissions (7):

Labcorp Genetics (formerly Invitae), Labcorp
Classification: Benign. Last evaluated: 2026-01-30. Review status: criteria provided, single submitter. Criteria: Invitae Variant Classification Sherloc (09022015). Collection method: clinical testing. Allele origin: germline.

Blueprint Genetics
Classification: Likely benign. Last evaluated: 2024-11-07. Review status: criteria provided, single submitter. Criteria: ACMG Guidelines, 2015. Collection method: clinical testing. Allele origin: germline.

CeGaT Center for Human Genetics Tuebingen
Classification: Likely benign. Last evaluated: 2024-11-01. Review status: criteria provided, single submitter. Criteria: CeGaT Center For Human Genetics Tuebingen Variant Classification Criteria Version 2. Collection method: clinical testing. Allele origin: germline. Affected: yes. Observed: 1 variant allele.
Comment: MCPH1: BP4, BS1

GeneDx
Classification: Likely benign. Last evaluated: 2019-12-04. Review status: criteria provided, single submitter. Criteria: GeneDx Variant Classification Process June 2021. Collection method: clinical testing. Allele origin: germline. Affected: yes.

Illumina Laboratory Services, Illumina
Classification: Likely benign for Microcephaly 1, primary, autosomal recessive. Last evaluated: 2018-01-13. Review status: criteria provided, single submitter. Criteria: ICSL Variant Classification Criteria 13 December 2019. Collection method: clinical testing. Allele origin: germline.
Comment: This variant was observed in the ICSL laboratory as part of a predisposition screen in an ostensibly healthy population. It had not been previously curated by ICSL or reported in the Human Gene Mutation Database (HGMD: prior to June 1st, 2018), and was therefore a candidate for classification through an automated scoring system. Utilizing variant allele frequency, disease prevalence and penetrance estimates, and inheritance mode, an automated score was calculated to assess if this variant is too frequent to cause the disease. Based on the score and internal cut-off values, a variant classified as likely benign is not then subjected to further curation. The score for this variant resulted in a classification of likely benign for this disease.

Genetic Services Laboratory, University of Chicago
Classification: Benign. Last evaluated: 2017-09-18. Review status: criteria provided, single submitter. Criteria: ACMG Guidelines, 2015. Collection method: clinical testing. Allele origin: germline. Affected: no.

PreventionGenetics, part of Exact Sciences
Classification: Benign for MCPH1-related condition. Last evaluated: 2020-02-17. Review status: no assertion criteria provided. Collection method: clinical testing. Allele origin: germline. Not counted in ClinVar's aggregate classification.
Comment: This variant is classified as benign based on ACMG/AMP sequence variant interpretation guidelines (Richards et al. 2015 PMID: 25741868, with internal and published modifications).